The following is an entry in ClinVar:

NM_001099289.3(SH3RF3):c.434C>T (p.Ala145Val)

Genes: RANBP2 (RAN binding protein 2; plus strand), SH3RF3 (SH3 domain containing ring finger 3; plus strand), SH3RF3-AS1 (SH3RF3 antisense RNA 1; minus strand). Cytogenetic location: 2q13.
Variant type: single nucleotide variant.
Coding change: c.434C>T on transcript NM_001099289.3 (MANE Select); coding-DNA position 434, C replaced by T.
Protein change: p.Ala145Val; replaces alanine 145 with valine.
Molecular consequence: missense variant. On other transcripts: non-coding transcript variant (1).
Genome position (GRCh38, 1-based): chr2:109,129,974, C>T. VCF-style: chr2-109129974-C-T. GRCh37 (hg19) VCF-style: chr2-109746430-C-T.
Other names: short protein forms A145V.
Identifiers: ClinVar variation 2289465 (VCV002289465.2), dbSNP rs1334058118, ClinGen allele CA348118717.

ClinVar aggregate classification (germline): Uncertain significance (1 of 4 stars; one submission).

Allele frequency attached by ClinVar (database versions not stated): TOPMed 0.00001; gnomAD exomes 0.00002.
gnomAD v4.1: 22 of 1,326,274 alleles (0.0017%); highest among the groups gnomAD compares: Non-Finnish European, 0.0012%; no homozygotes.

Submission:

Ambry Genetics
Classification: Uncertain significance. Last evaluated: 2022-05-13. Review status: criteria provided, single submitter. Criteria: Ambry Variant Classification Scheme 2023. Collection method: clinical testing. Allele origin: germline.
Comment: The c.434C>T (p.A145V) alteration is located in exon (coding exon ) of the SH3RF3 gene. This alteration results from a C to T substitution at nucleotide position 434, causing the alanine (A) at amino acid position 145 to be replaced by a valine (V). Based on insufficient or conflicting evidence, the clinical significance of this alteration remains unclear.